The following is an entry in ClinVar:

NM_020810.3(TRMT5):c.878C>A (p.Thr293Lys)

Gene: TRMT5 (tRNA methyltransferase 5; minus strand). Cytogenetic location: 14q23.1.
Variant type: single nucleotide variant.
Coding change: c.878C>A on transcript NM_020810.3 (MANE Select); coding-DNA position 878, C replaced by A.
Protein change: p.Thr293Lys; replaces threonine 293 with lysine.
Molecular consequence: missense variant.
Genome position (GRCh38, 1-based): chr14:60,976,041, G>T on the plus strand (C>A on the coding strand, the complement: TRMT5 is on the minus strand). VCF-style: chr14-60976041-G-T. GRCh37 (hg19) VCF-style: chr14-61442759-G-T.
Other names: c.962C>A, p.Thr321Lys (NM_001350253.1); c.959C>A, p.Thr320Lys (NM_001350254.1); short protein forms T293K, T320K, T321K.
Identifiers: ClinVar variation 1960689 (VCV001960689.4), dbSNP rs775442736, ClinGen allele CA7213805.

ClinVar aggregate classification (germline): Uncertain significance (1 of 4 stars; one submission).

Allele frequency attached by ClinVar (database versions not stated): gnomAD 0.00001; gnomAD exomes 0.00001; ExAC 0.00002; TOPMed 0.00002.
gnomAD v4.1: 9 of 1,614,098 alleles (0.00056%); highest among the groups gnomAD compares: Admixed American, 0.015%; no homozygotes.

Submission:

Labcorp Genetics (formerly Invitae), Labcorp
Classification: Uncertain significance. Last evaluated: 2022-01-02. Review status: criteria provided, single submitter. Criteria: Invitae Variant Classification Sherloc (09022015). Collection method: clinical testing. Allele origin: germline.
Comment: This sequence change replaces threonine, which is neutral and polar, with lysine, which is basic and polar, at codon 293 of the TRMT5 protein (p.Thr293Lys). This variant is present in population databases (rs775442736, gnomAD 0.02%). This variant has not been reported in the literature in individuals affected with TRMT5-related conditions. Algorithms developed to predict the effect of missense changes on protein structure and function are either unavailable or do not agree on the potential impact of this missense change (SIFT: "Tolerated"; PolyPhen-2: "Possibly Damaging"; Align-GVGD: "Class C0"). In summary, the available evidence is currently insufficient to determine the role of this variant in disease. Therefore, it has been classified as a Variant of Uncertain Significance.